The following is an entry in ClinVar:

ClinVar aggregate classification (germline): Uncertain significance (1 of 4 stars; one submission).

Conditions:
Basilicata-Akhtar syndrome. Also called: MENTAL RETARDATION, X-LINKED, SYNDROMIC, BASILICATA-AKHTAR TYPE; INTELLECTUAL DEVELOPMENTAL DISORDER, X-LINKED, SYNDROMIC, 36. Identifiers: MedGen C5231394, MONDO:0026730, OMIM 301032.

Submission:

OLLIN Analises Genomicas, OLLIN
Classification: Uncertain significance for Basilicata-Akhtar syndrome. Last evaluated: 2026-08-06. Review status: criteria provided, single submitter. Criteria: ACMG Guidelines 2015 PMID 25741868. Collection method: clinical testing. Allele origin: germline. Inheritance: X-linked inheritance.
Comment: This missense variant, located in exon 8 (of 13), is absent from gnomAD and ClinVar and has not been identified in the literature. In silico analysis predicts that this variant has a deleterious effect. According to the currently available evidence, this variant has been classified as uncertain significance (PM2_P, PP3).

NM_078629.4(MSL3):c.833A>G (p.Glu278Gly)

Gene: MSL3 (MSL complex subunit 3; plus strand). Cytogenetic location: Xp22.2.
Variant type: single nucleotide variant.
Coding change: c.833A>G on transcript NM_078629.4 (MANE Select); coding-DNA position 833, A replaced by G.
Protein change: p.Glu278Gly; replaces glutamic acid 278 with glycine.
Molecular consequence: missense variant.
Genome position (GRCh38, 1-based): chrX:11,763,863, A>G. VCF-style: chrX-11763863-A-G. GRCh37 (hg19) VCF-style: chrX-11781982-A-G.
Other names: c.797A>G, p.Glu266Gly (NM_001193270.2); c.386A>G, p.Glu129Gly (NM_001282174.1); c.335A>G, p.Glu112Gly (NM_006800.4); c.833A>G, p.Glu278Gly (NM_078628.2); short protein forms E112G, E266G, E129G, E278G.
Identifiers: ClinVar variation 5002787 (VCV005002787.1).